The following is an entry in ClinVar:

NM_000256.3(MYBPC3):c.2841C>A (p.His947Gln)

Gene: MYBPC3 (myosin binding protein C3; minus strand). Cytogenetic location: 11p11.2.
Variant type: single nucleotide variant.
Coding change: c.2841C>A on transcript NM_000256.3 (MANE Select); coding-DNA position 2841, C replaced by A.
Protein change: p.His947Gln; replaces histidine 947 with glutamine.
Molecular consequence: missense variant.
Genome position (GRCh38, 1-based): chr11:47,335,106, G>T on the plus strand (C>A on the coding strand, the complement: MYBPC3 is on the minus strand). VCF-style: chr11-47335106-G-T. GRCh37 (hg19) VCF-style: chr11-47356657-G-T.
Other names: short protein forms H947Q.
Identifiers: ClinVar variation 2181718 (VCV002181718.5), dbSNP rs751120827, ClinGen allele CA078981.

ClinVar aggregate classification (germline): Uncertain significance. Review status: criteria provided, multiple submitters, no conflicts (2 of 4 stars). 2 submissions from 2 submitters: Uncertain significance (2). Last evaluated 2024-09-02.

Conditions:
Hypertrophic cardiomyopathy. Also called: HYPERTROPHIC MYOCARDIOPATHY. Identifiers: Orphanet 217569, MedGen C0007194, MeSH D002312, MONDO:0005045, HP:0001639.

Allele frequency attached by ClinVar (database versions not stated): gnomAD exomes below 0.00001; ExAC 0.00001.

Submissions (2):

Labcorp Genetics (formerly Invitae), Labcorp
Classification: Uncertain significance for Hypertrophic cardiomyopathy. Last evaluated: 2024-09-02. Review status: criteria provided, single submitter. Criteria: Invitae Variant Classification Sherloc (09022015). Collection method: clinical testing. Allele origin: germline.
Comment: This sequence change replaces histidine, which is basic and polar, with glutamine, which is neutral and polar, at codon 947 of the MYBPC3 protein (p.His947Gln). This variant is present in population databases (rs751120827, gnomAD 0.0009%). This variant has not been reported in the literature in individuals affected with MYBPC3-related conditions. ClinVar contains an entry for this variant (Variation ID: 2181718). An algorithm developed to predict the effect of missense changes on protein structure and function (PolyPhen-2) suggests that this variant is likely to be disruptive. In summary, the available evidence is currently insufficient to determine the role of this variant in disease. Therefore, it has been classified as a Variant of Uncertain Significance.

All of Us Research Program, National Institutes of Health
Classification: Uncertain significance for Hypertrophic cardiomyopathy. Last evaluated: 2024-02-22. Review status: criteria provided, single submitter. Criteria: ACMG Guidelines, 2015. Collection method: clinical testing. Allele origin: germline. Inheritance: Autosomal dominant inheritance. Observed: 1 variant allele, 1 heterozygote.
Comment: This missense variant replaces histidine with glutamine at codon 947 of the MYBPC3 protein. Computational prediction tools indicate that this variant has a neutral impact on protein structure and function. To our knowledge, functional studies have not been reported for this variant. This variant has not been reported in individuals affected with MYBPC3-related disorders in the literature. This variant has been identified in 1/245842 chromosomes in the general population by the Genome Aggregation Database (gnomAD). The available evidence is insufficient to determine the role of this variant in disease conclusively. Therefore, this variant is classified as a Variant of Uncertain Significance.

This study involves interpretation of variants in research participants for the purpose of population health screening. Participant phenotype was not available at the time of variant classification. Additional details can be found in publication PMID: 35346344, PMCID: PMC8962531